The following is an entry in ClinVar:

ClinVar aggregate classification (germline): Uncertain significance. Review status: criteria provided, multiple submitters, no conflicts (2 of 4 stars). 2 submissions from 2 submitters: Uncertain significance (2). Last evaluated 2024-09-02.

Conditions:
Cardiovascular phenotype. Identifiers: MedGen CN230736.
Dilated cardiomyopathy 1J (CMD1J). Also called: CARDIOMYOPATHY, DILATED, WITH SENSORINEURAL HEARING LOSS, AUTOSOMAL DOMINANT. Identifiers: Orphanet 217622, MedGen C1854368, MONDO:0011541, OMIM 605362.

gnomAD v4.1: 3 of 1,610,966 alleles (0.00019%); highest among the groups gnomAD compares: Non-Finnish European, 0.00025%; no homozygotes.

Submissions (2):

Ambry Genetics
Classification: Uncertain significance for Cardiovascular phenotype. Last evaluated: 2024-09-02. Review status: criteria provided, single submitter. Criteria: Ambry Variant Classification Scheme 2023. Collection method: clinical testing. Allele origin: germline.

Labcorp Genetics (formerly Invitae), Labcorp
Classification: Uncertain significance for Dilated cardiomyopathy 1J. Last evaluated: 2024-08-15. Review status: criteria provided, single submitter. Criteria: Invitae Variant Classification Sherloc (09022015). Collection method: clinical testing. Allele origin: germline.
Comment: This sequence change replaces tyrosine, which is neutral and polar, with serine, which is neutral and polar, at codon 273 of the EYA4 protein (p.Tyr273Ser). This variant is present in population databases (no rsID available, gnomAD 0.0009%). This variant has not been reported in the literature in individuals affected with EYA4-related conditions. ClinVar contains an entry for this variant (Variation ID: 1961102). Invitae Evidence Modeling of protein sequence and biophysical properties (such as structural, functional, and spatial information, amino acid conservation, physicochemical variation, residue mobility, and thermodynamic stability) indicates that this missense variant is not expected to disrupt EYA4 protein function with a negative predictive value of 80%. In summary, the available evidence is currently insufficient to determine the role of this variant in disease. Therefore, it has been classified as a Variant of Uncertain Significance.

NM_004100.5(EYA4):c.818A>C (p.Tyr273Ser)

Gene: EYA4 (EYA transcriptional coactivator and phosphatase 4; plus strand). Cytogenetic location: 6q23.2.
Variant type: single nucleotide variant.
Coding change: c.818A>C on transcript NM_004100.5 (MANE Select); coding-DNA position 818, A replaced by C.
Protein change: p.Tyr273Ser; replaces tyrosine 273 with serine.
Molecular consequence: missense variant.
Genome position (GRCh38, 1-based): chr6:133,468,579, A>C. VCF-style: chr6-133468579-A-C. GRCh37 (hg19) VCF-style: chr6-133789717-A-C.
Other names: c.656A>C, p.Tyr219Ser (NM_001301012.2, NM_001370459.1); c.818A>C, p.Tyr273Ser (NM_001301013.2, NM_172105.4); c.749A>C, p.Tyr250Ser (NM_001370458.1, NM_172103.4); c.818A>C (NM_004100.4); short protein forms Y273S, Y219S, Y250S.
Identifiers: ClinVar variation 1961102 (VCV001961102.6), dbSNP rs1173112352, ClinGen allele CA365703222.